The following is an entry in ClinVar:

NM_005677.4(COLQ):c.1298+35C>A

Gene: COLQ (collagen like tail subunit of asymmetric acetylcholinesterase; minus strand). Cytogenetic location: 3p25.1.
Variant type: single nucleotide variant.
Coding change: c.1298+35C>A on transcript NM_005677.4 (MANE Select); 35 bases into the intron after coding-DNA position 1298, C replaced by A.
Molecular consequence: intron variant.
Genome position (GRCh38, 1-based): chr3:15,453,794, G>T on the plus strand (C>A on the coding strand, the complement: COLQ is on the minus strand). VCF-style: chr3-15453794-G-T. GRCh37 (hg19) VCF-style: chr3-15495301-G-T.
Other names: c.1196+35C>A (NM_080539.4); c.1268+35C>A (NM_080538.2).
Identifiers: ClinVar variation 259853 (VCV000259853.3), dbSNP rs1077827, ClinGen allele CA2275803.
Genomic context (GRCh38, chr3:15,453,794, plus strand): 5'-GAGAGGCACTCAAAATATTTGTGAAGGAAAGAAGGAAAGCAAAGAGGAGGGAGGGAGAAA[G>T]AAGGGGGAGAGGGAGGGAGGGGAGTCATCCCTACCCAGGGAGATAGGTCTCGCATGTCAG-3'

ClinVar aggregate classification (germline): Benign. Review status: criteria provided, multiple submitters, no conflicts (2 of 4 stars). 3 submissions from 3 submitters: Benign (3). Last evaluated 2018-06-16.

Allele frequency attached by ClinVar (database versions not stated): gnomAD exomes 0.05869 and 0.08710; ExAC 0.10841; ESP Exome Variant Server 0.11344; gnomAD 0.11423 and 0.11659; TOPMed 0.13271; 1000 Genomes Project 0.13638; 1000 Genomes Project 30x 0.13835.
gnomAD v4.1: 88,043 of 1,351,064 alleles (6.5%); highest among the groups gnomAD compares: African/African-American, 25%; 5,089 homozygotes.

Submissions (3):

GeneDx
Classification: Benign. Last evaluated: 2018-06-16. Review status: criteria provided, single submitter. Criteria: GeneDx Variant Classification (06012015). Collection method: clinical testing. Allele origin: germline. Affected: yes.
Comment: This variant is considered likely benign or benign based on one or more of the following criteria: it is a conservative change, it occurs at a poorly conserved position in the protein, it is predicted to be benign by multiple in silico algorithms, and/or has population frequency not consistent with disease.

Breakthrough Genomics
Classification: Benign. Review status: criteria provided, single submitter. Criteria: ACMG Guidelines, 2015. Collection method: not provided. Allele origin: germline. Inheritance: Autosomal recessive inheritance. Affected: yes.

PreventionGenetics, part of Exact Sciences
Classification: Benign. Review status: criteria provided, single submitter. Criteria: ACMG Guidelines, 2015. Collection method: clinical testing. Allele origin: germline.